The following is an entry in ClinVar:

NM_017534.6(MYH2):c.5653A>G (p.Lys1885Glu)

Genes: MYH2 (myosin heavy chain 2; minus strand), MYHAS (myosin heavy chain gene cluster antisense RNA; plus strand). Cytogenetic location: 17p13.1.
Variant type: single nucleotide variant.
Coding change: c.5653A>G on transcript NM_017534.6 (MANE Select); coding-DNA position 5653, A replaced by G.
Protein change: p.Lys1885Glu; replaces lysine 1885 with glutamic acid.
Molecular consequence: missense variant.
Genome position (GRCh38, 1-based): chr17:10,523,110, T>C on the plus strand (A>G on the coding strand, the complement: MYH2 is on the minus strand). VCF-style: chr17-10523110-T-C. GRCh37 (hg19) VCF-style: chr17-10426427-T-C.
Other names: c.5653A>G, p.Lys1885Glu (NM_001100112.2); short protein forms K1885E.
Identifiers: ClinVar variation 2761636 (VCV002761636.3), dbSNP rs2508406710, ClinGen allele CA398113537.

ClinVar aggregate classification (germline): Uncertain significance (1 of 4 stars; one submission).

Conditions:
Myopathy, proximal, and ophthalmoplegia (CMYO6). Also called: MYOPATHY WITH CONGENITAL JOINT CONTRACTURES, OPHTHALMOPLEGIA, AND RIMMED VACUOLES; INCLUSION BODY MYOPATHY 3, AUTOSOMAL DOMINANT; CONGENITAL MYOPATHY 6 WITH OPHTHALMOPLEGIA. Identifiers: Orphanet 363677, Orphanet 79091, MedGen C1854106, MONDO:0011577, OMIM 605637.

Submission:

Labcorp Genetics (formerly Invitae), Labcorp
Classification: Uncertain significance for Myopathy, proximal, and ophthalmoplegia. Last evaluated: 2023-12-11. Review status: criteria provided, single submitter. Criteria: Invitae Variant Classification Sherloc (09022015). Collection method: clinical testing. Allele origin: germline.
Comment: This sequence change replaces lysine, which is basic and polar, with glutamic acid, which is acidic and polar, at codon 1885 of the MYH2 protein (p.Lys1885Glu). This variant is not present in population databases (gnomAD no frequency). This variant has not been reported in the literature in individuals affected with MYH2-related conditions. Advanced modeling of protein sequence and biophysical properties (such as structural, functional, and spatial information, amino acid conservation, physicochemical variation, residue mobility, and thermodynamic stability) performed at Invitae indicates that this missense variant is expected to disrupt MYH2 protein function with a positive predictive value of 80%. In summary, the available evidence is currently insufficient to determine the role of this variant in disease. Therefore, it has been classified as a Variant of Uncertain Significance.